The following is an entry in ClinVar:

NM_001080.3(ALDH5A1):c.244_251del (p.Ala82fs)

Genes: ALDH5A1 (aldehyde dehydrogenase 5 family member A1; plus strand), GPLD1 (glycosylphosphatidylinositol specific phospholipase D1; minus strand), LOC129995978 (ATAC-STARR-seq lymphoblastoid silent region 16989; plus strand). Cytogenetic location: 6p22.3.
Variant type: Deletion.
Coding change: c.244_251del on transcript NM_001080.3 (MANE Select); coding-DNA positions 244 to 251, 8 bases deleted (GCCAGCGG; older notation c.244_251delGCCAGCGG).
Protein change: p.Ala82fs; shifts the reading frame from alanine 82.
Molecular consequence: frameshift variant.
Genome position (GRCh38, 1-based): chr6:24,495,240-24,495,247, GCCAGCGG deleted; deleting any 8 consecutive bases within chr6:24,495,239-24,495,247 gives the same sequence; the c. name uses the placement nearest the transcript's 3' end. VCF-style (leftmost placement, unchanged base first): chr6-24495238-CGGCCAGCG-C. GRCh37 (hg19) VCF-style: chr6-24495466-CGGCCAGCG-C.
Other names: c.244_251del, p.Ala82fs (NM_001368954.1, NM_170740.1); short protein forms A82fs.
Identifiers: ClinVar variation 1897663 (VCV001897663.5), dbSNP rs2532812528, ClinGen allele CA2578542948.

ClinVar aggregate classification (germline): Pathogenic (1 of 4 stars; one submission).

Conditions:
Succinate-semialdehyde dehydrogenase deficiency (SSADHD). Also called: Succinic Semialdehyde Dehydrogenase Deficiency; SSADH DEFICIENCY; 4-HYDROXYBUTYRIC ACIDURIA; GABA METABOLIC DEFECT. Identifiers: Orphanet 22, MedGen C0268631, MONDO:0010083, OMIM 271980.

Submission:

Labcorp Genetics (formerly Invitae), Labcorp
Classification: Pathogenic for Succinate-semialdehyde dehydrogenase deficiency. Last evaluated: 2025-03-19. Review status: criteria provided, single submitter. Criteria: Invitae Variant Classification Sherloc (09022015). Collection method: clinical testing. Allele origin: germline.
Comment: This sequence change creates a premature translational stop signal (p.Ala82Argfs*51) in the ALDH5A1 gene. It is expected to result in an absent or disrupted protein product. Loss-of-function variants in ALDH5A1 are known to be pathogenic (PMID: 14635103). This variant is not present in population databases (gnomAD no frequency). This variant has not been reported in the literature in individuals affected with ALDH5A1-related conditions. ClinVar contains an entry for this variant (Variation ID: 1897663). For these reasons, this variant has been classified as Pathogenic.

Literature cited by the submitters: PubMed 14635103.